The following is an entry in ClinVar:

NM_024642.5(GALNT12):c.131G>C (p.Gly44Ala)

Gene: GALNT12 (polypeptide N-acetylgalactosaminyltransferase 12; plus strand). Cytogenetic location: 9q22.33.
Variant type: single nucleotide variant.
Coding change: c.131G>C on transcript NM_024642.5 (MANE Select); coding-DNA position 131, G replaced by C.
Protein change: p.Gly44Ala; replaces glycine 44 with alanine.
Molecular consequence: missense variant.
Genome position (GRCh38, 1-based): chr9:98,807,829, G>C. VCF-style: chr9-98807829-G-C. GRCh37 (hg19) VCF-style: chr9-101570111-G-C.
Other names: short protein forms G44A.
Identifiers: ClinVar variation 4831842 (VCV004831842.1).

ClinVar aggregate classification (germline): Uncertain significance (1 of 4 stars; one submission).

Submission:

Ambry Genetics
Classification: Uncertain significance. Last evaluated: 2025-12-24. Review status: criteria provided, single submitter. Criteria: Ambry Variant Classification Scheme 2023. Collection method: clinical testing. Allele origin: germline.
Comment: The p.G44A variant (also known as c.131G>C), located in coding exon 1 of the GALNT12 gene, results from a G to C substitution at nucleotide position 131. The glycine at codon 44 is replaced by alanine, an amino acid with similar properties. This amino acid position is conserved. In addition, this alteration is predicted to be tolerated by in silico analysis. Based on the available evidence, the clinical significance of this variant remains unclear.